The following is an entry in ClinVar:

NM_001089.3(ABCA3):c.-29C>G

Gene: ABCA3 (ATP binding cassette subfamily A member 3; minus strand). Cytogenetic location: 16p13.3.
Variant type: single nucleotide variant.
Coding change: c.-29C>G on transcript NM_001089.3 (MANE Select); 29 bases upstream of the start codon, C replaced by G.
Molecular consequence: 5 prime UTR variant.
Genome position (GRCh38, 1-based): chr16:2,328,455, G>C on the plus strand (C>G on the coding strand, the complement: ABCA3 is on the minus strand). VCF-style: chr16-2328455-G-C. GRCh37 (hg19) VCF-style: chr16-2378456-G-C.
Identifiers: ClinVar variation 318580 (VCV000318580.5), dbSNP rs17135880, ClinGen allele CA7841862.

ClinVar aggregate classification (germline): Benign (1 of 4 stars; one submission).

Conditions:
Interstitial lung disease due to ABCA3 deficiency. Also called: PULMONARY ALVEOLAR PROTEINOSIS, CONGENITAL, 3. Identifiers: Orphanet 440402, MedGen C1970456, MONDO:0012582, OMIM 610921.

Allele frequency attached by ClinVar (database versions not stated): gnomAD exomes 0.00213 and 0.00386; ExAC 0.00905; ESP Exome Variant Server 0.01517; gnomAD 0.01626 and 0.01730; TOPMed 0.01842; 1000 Genomes Project 0.02017; 1000 Genomes Project 30x 0.02124.
gnomAD v4.1: 3,197 of 503,622 alleles (0.63%); highest among the groups gnomAD compares: African/African-American, 5.5%; 95 homozygotes.

Submission:

Illumina Laboratory Services, Illumina
Classification: Benign for Interstitial lung disease due to ABCA3 deficiency. Last evaluated: 2018-01-12. Review status: criteria provided, single submitter. Criteria: ICSL Variant Classification Criteria 13 December 2019. Collection method: clinical testing. Allele origin: germline.
Comment: This variant was observed in the ICSL laboratory as part of a predisposition screen in an ostensibly healthy population. It had not been previously curated by ICSL or reported in the Human Gene Mutation Database (HGMD: prior to June 1st, 2018), and was therefore a candidate for classification through an automated scoring system. Utilizing variant allele frequency, disease prevalence and penetrance estimates, and inheritance mode, an automated score was calculated to assess if this variant is too frequent to cause the disease. Based on the score and internal cut-off values, a variant classified as benign is not then subjected to further curation. The score for this variant resulted in a classification of benign for this disease.